The following is an entry in ClinVar:

NM_001048166.1(STIL):c.3515C>T (p.Ser1172Phe)

Gene: STIL (STIL centriolar assembly protein; minus strand). Cytogenetic location: 1p33.
Variant type: single nucleotide variant.
Coding change: c.3515C>T on transcript NM_001048166.1 (MANE Select); coding-DNA position 3515, C replaced by T.
Protein change: p.Ser1172Phe; replaces serine 1172 with phenylalanine.
Molecular consequence: missense variant.
Genome position (GRCh38, 1-based): chr1:47,251,488, G>A on the plus strand (C>T on the coding strand, the complement: STIL is on the minus strand). VCF-style: chr1-47251488-G-A. GRCh37 (hg19) VCF-style: chr1-47717160-G-A.
Other names: c.3512C>T, p.Ser1171Phe (NM_001282936.1, NM_003035.2); c.3461C>T, p.Ser1154Phe (NM_001282937.1); c.3374C>T, p.Ser1125Phe (NM_001282938.1); c.3320C>T, p.Ser1107Phe (NM_001282939.1); short protein forms S1171F, S1172F, S1154F, S1107F, S1125F.
Identifiers: ClinVar variation 297551 (VCV000297551.40), dbSNP rs550062989, ClinGen allele CA841961.
Genomic context (GRCh38, chr1:47,251,488, plus strand): 5'-TCTGCGTTGGTCCCCACAGATTCACAGTTAGAACAATTAATTATTTCATGGTCATTCTTA[G>A]AAGGCTCTTTCTGACCACCAAGCTGTTCAGGTATGGACCTAAGGTTCTGATTCAATAAAT-3'
Protein context (NP_001041631.1, residues 1162-1182): PEQLGGQKEP[Ser1172Phe]KNDHEIINCS

ClinVar aggregate classification (germline): Benign/Likely benign. Review status: criteria provided, multiple submitters, no conflicts (2 of 4 stars). 5 submissions from 5 submitters: Benign (3); Likely benign (1). 1 of the submissions does not count toward it. Last evaluated 2025-11-01.

Conditions:
STIL-related disorder. Also called: STIL-related condition.
Microcephaly 7, primary, autosomal recessive. Identifiers: Orphanet 2512, MedGen C2675187, MONDO:0012989, OMIM 612703.

Allele frequency attached by ClinVar (database versions not stated): gnomAD 0.00005 and 0.00047; TOPMed 0.00006; gnomAD exomes 0.00086 and 0.00172; ExAC 0.00205; 1000 Genomes Project 30x 0.00281; 1000 Genomes Project 0.00339.
gnomAD v4.1: 1,328 of 1,614,218 alleles (0.082%); highest among the groups gnomAD compares: South Asian, 1.4%; 25 homozygotes.

Submissions (5):

Labcorp Genetics (formerly Invitae), Labcorp
Classification: Benign. Last evaluated: 2025-11-01. Review status: criteria provided, single submitter. Criteria: Invitae Variant Classification Sherloc (09022015). Collection method: clinical testing. Allele origin: germline.

CeGaT Center for Human Genetics Tuebingen
Classification: Benign. Last evaluated: 2024-04-01. Review status: criteria provided, single submitter. Criteria: CeGaT Center For Human Genetics Tuebingen Variant Classification Criteria Version 2. Collection method: clinical testing. Allele origin: germline. Affected: yes. Observed: 2 variant alleles.
Comment: STIL: BP4, BS1, BS2

GeneDx
Classification: Benign. Last evaluated: 2020-09-15. Review status: criteria provided, single submitter. Criteria: GeneDx Variant Classification Process June 2021. Collection method: clinical testing. Allele origin: germline. Affected: yes.

Illumina Laboratory Services, Illumina
Classification: Likely benign for Microcephaly 7, primary, autosomal recessive. Last evaluated: 2018-01-13. Review status: criteria provided, single submitter. Criteria: ICSL Variant Classification Criteria 13 December 2019. Collection method: clinical testing. Allele origin: germline.
Comment: This variant was observed in the ICSL laboratory as part of a predisposition screen in an ostensibly healthy population. It had not been previously curated by ICSL or reported in the Human Gene Mutation Database (HGMD: prior to June 1st, 2018), and was therefore a candidate for classification through an automated scoring system. Utilizing variant allele frequency, disease prevalence and penetrance estimates, and inheritance mode, an automated score was calculated to assess if this variant is too frequent to cause the disease. Based on the score and internal cut-off values, a variant classified as likely benign is not then subjected to further curation. The score for this variant resulted in a classification of likely benign for this disease.

PreventionGenetics, part of Exact Sciences
Classification: Benign for STIL-related condition. Last evaluated: 2019-04-10. Review status: no assertion criteria provided. Collection method: clinical testing. Allele origin: germline. Not counted in ClinVar's aggregate classification.
Comment: This variant is classified as benign based on ACMG/AMP sequence variant interpretation guidelines (Richards et al. 2015 PMID: 25741868, with internal and published modifications).